The following is an entry in ClinVar:

ClinVar aggregate classification (germline): Conflicting classifications of pathogenicity. Review status: criteria provided, conflicting classifications (1 of 4 stars). 2 submissions from 2 submitters: Likely pathogenic (1); Uncertain significance (1). Last evaluated 2026-09-02.

Submissions (2):

GeneDx
Classification: Likely pathogenic. Last evaluated: 2026-09-02. Review status: criteria provided, single submitter. Criteria: GeneDx Variant Classification Process June 2021. Collection method: clinical testing. Allele origin: germline.
Comment: Not observed at significant frequency in large population cohorts (gnomAD); Located in a specific region of the I-band within TTN for which truncating variants are significantly associated with autosomal dominant cardiomyopathy and also with autosomal recessive skeletal myopathies (PMID: 27625338, 27869827, 32778822); This variant is associated with the following publications: (PMID: 32826072, 32371228, 27625338, 27869827, 32778822)

Eurofins Ntd Llc (ga)
Classification: Uncertain significance. Last evaluated: 2017-05-30. Review status: criteria provided, single submitter. Criteria: EGL Classification Definitions 2015. Collection method: clinical testing. Allele origin: germline. Observed: 1 variant allele, 1 heterozygote.

NM_001267550.2(TTN):c.12517G>T (p.Glu4173Ter)

Gene: TTN (titin; minus strand). Cytogenetic location: 2q31.2.
Variant type: single nucleotide variant.
Coding change: c.12517G>T on transcript NM_001267550.2 (MANE Select); coding-DNA position 12517, G replaced by T.
Protein change: p.Glu4173Ter; replaces glutamic acid 4173 with a stop codon.
Molecular consequence: nonsense. On other transcripts: intron variant (1).
Genome position (GRCh38, 1-based): chr2:178,740,716, C>A on the plus strand (G>T on the coding strand, the complement: TTN is on the minus strand). VCF-style: chr2-178740716-C-A. GRCh37 (hg19) VCF-style: chr2-179605443-C-A.
Other names: c.11566G>T, p.Glu3856Ter (NM_001256850.1); c.11428G>T, p.Glu3810Ter (NM_003319.4); c.11803G>T, p.Glu3935Ter (NM_133432.3); c.12004G>T, p.Glu4002Ter (NM_133437.4); c.10361-2356G>T (NM_133378.4); c.12517G>T (NM_001267550.1); short protein forms E3856*, E4173*, E3935*, E3810*, E4002*.
Identifiers: ClinVar variation 429268 (VCV000429268.8), dbSNP rs1131691288, ClinGen allele CA349614786.